The following is an entry in ClinVar:

NM_002060.3(GJA4):c.623T>C (p.Ile208Thr)

Gene: GJA4 (gap junction protein alpha 4; plus strand). Cytogenetic location: 1p34.3.
Variant type: single nucleotide variant.
Coding change: c.623T>C on transcript NM_002060.3 (MANE Select); coding-DNA position 623, T replaced by C.
Protein change: p.Ile208Thr; replaces isoleucine 208 with threonine.
Molecular consequence: missense variant.
Genome position (GRCh38, 1-based): chr1:34,794,836, T>C. VCF-style: chr1-34794836-T-C. GRCh37 (hg19) VCF-style: chr1-35260437-T-C.
Other names: short protein forms I208T.
Identifiers: ClinVar variation 3600428 (VCV003600428.1).

ClinVar aggregate classification (germline): Uncertain significance (1 of 4 stars; one submission).

Submission:

Clinical Genomics Laboratory, Washington University in St. Louis
Classification: Uncertain significance. Last evaluated: 2024-09-24. Review status: criteria provided, single submitter. Criteria: ACMG Guidelines, 2015. Collection method: clinical testing. Allele origin: germline.
Comment: A GJA4 c.623T>C (p.Ile208Thr) variant was identified at a near heterozygous allelic fraction of 47.8%, a frequency that may be consistent with germline origin. This variant, to our knowledge, has not been reported in the medical literature. It occurs on 992/1,613,948 alleles in the general population (gnomAD v.4.1.0). Computational predictors indicate that the variant is damaging, evidence that correlates with impact on GJA4 function. Due to limited information, and based on ACMG/AMP guidelines for variant interpretation (Richards S et al., PMID: 25741868), the clinical significance of this variant is uncertain at this time.